The following is an entry in ClinVar:

NM_001130823.3(DNMT1):c.3081G>T (p.Glu1027Asp)

Gene: DNMT1 (DNA methyltransferase 1; minus strand). Cytogenetic location: 19p13.2.
Variant type: single nucleotide variant.
Coding change: c.3081G>T on transcript NM_001130823.3 (MANE Select); coding-DNA position 3081, G replaced by T.
Protein change: p.Glu1027Asp; replaces glutamic acid 1027 with aspartic acid.
Molecular consequence: missense variant.
Genome position (GRCh38, 1-based): chr19:10,143,801, C>A on the plus strand (G>T on the coding strand, the complement: DNMT1 is on the minus strand). VCF-style: chr19-10143801-C-A. GRCh37 (hg19) VCF-style: chr19-10254477-C-A.
Other names: c.3033G>T, p.Glu1011Asp (NM_001318730.2, NM_001379.4); c.2718G>T, p.Glu906Asp (NM_001318731.2); short protein forms E906D, E1011D, E1027D.
Identifiers: ClinVar variation 1799068 (VCV001799068.2), dbSNP rs1233155491, ClinGen allele CA403975654.

ClinVar aggregate classification (germline): Uncertain significance (1 of 4 stars; one submission).

Conditions:
Inborn genetic diseases. Identifiers: MedGen C0950123, MeSH D030342.

Allele frequency attached by ClinVar (database versions not stated): gnomAD exomes below 0.00001; gnomAD 0.00001; TOPMed 0.00001.
gnomAD v4.1: 3 of 1,614,032 alleles (0.00019%); highest among the groups gnomAD compares: Non-Finnish European, 0.00025%; no homozygotes.

Submission:

Ambry Genetics
Classification: Uncertain significance for Inborn genetic diseases. Last evaluated: 2021-04-28. Review status: criteria provided, single submitter. Criteria: Ambry Variant Classification Scheme 2023. Collection method: clinical testing. Allele origin: germline.
Comment: The p.E1011D variant (also known as c.3033G>T), located in coding exon 28 of the DNMT1 gene, results from a G to T substitution at nucleotide position 3033. The glutamic acid at codon 1011 is replaced by aspartic acid, an amino acid with highly similar properties. This amino acid position is not well conserved in available vertebrate species. In addition, this alteration is predicted to be tolerated by in silico analysis. Since supporting evidence is limited at this time, the clinical significance of this alteration remains unclear.